The following is an entry in ClinVar:

ClinVar aggregate classification (germline): Uncertain significance (1 of 4 stars; one submission).

Conditions:
Autosomal dominant nonsyndromic hearing loss 1. Also called: KONIGSMARK SYNDROME; DEAFNESS, AUTOSOMAL DOMINANT 1, WITH OR WITHOUT THROMBOCYTOPENIA. Identifiers: Orphanet 90635, MedGen C1852282, MONDO:0007424, OMIM 124900.
Progressive microcephaly-seizures-cortical blindness-developmental delay syndrome. Also called: Seizures, cortical blindness, and microcephaly syndrome. Identifiers: Orphanet 477814, MedGen C5567650, MONDO:0014714, OMIM 616632.

Submission:

Labcorp Genetics (formerly Invitae), Labcorp
Classification: Uncertain significance for Progressive microcephaly-seizures-cortical blindness-developmental delay syndrome; Autosomal dominant nonsyndromic hearing loss 1. Last evaluated: 2024-05-17. Review status: criteria provided, single submitter. Criteria: Invitae Variant Classification Sherloc (09022015). Collection method: clinical testing. Allele origin: germline.
Comment: This sequence change replaces glycine, which is neutral and non-polar, with serine, which is neutral and polar, at codon 737 of the DIAPH1 protein (p.Gly737Ser). This variant is not present in population databases (gnomAD no frequency). This variant has not been reported in the literature in individuals affected with DIAPH1-related conditions. Experimental studies and prediction algorithms are not available or were not evaluated, and the functional significance of this variant is currently unknown. In summary, the available evidence is currently insufficient to determine the role of this variant in disease. Therefore, it has been classified as a Variant of Uncertain Significance.

NM_005219.5(DIAPH1):c.2209G>A (p.Gly737Ser)

Gene: DIAPH1 (diaphanous related formin 1; minus strand). Cytogenetic location: 5q31.3.
Variant type: single nucleotide variant.
Coding change: c.2209G>A on transcript NM_005219.5 (MANE Select); coding-DNA position 2209, G replaced by A.
Protein change: p.Gly737Ser; replaces glycine 737 with serine.
Molecular consequence: missense variant.
Genome position (GRCh38, 1-based): chr5:141,573,641, C>T on the plus strand (G>A on the coding strand, the complement: DIAPH1 is on the minus strand). VCF-style: chr5-141573641-C-T. GRCh37 (hg19) VCF-style: chr5-140953208-C-T.
Other names: c.2182G>A, p.Gly728Ser (NM_001079812.3); c.2209G>A, p.Gly737Ser (NM_001314007.2); short protein forms G728S, G737S.
Identifiers: ClinVar variation 3756394 (VCV003756394.2).